The following is an entry in ClinVar:

ClinVar aggregate classification (germline): Uncertain significance (1 of 4 stars; one submission).

Submission:

Labcorp Genetics (formerly Invitae), Labcorp
Classification: Uncertain significance. Last evaluated: 2025-07-23. Review status: criteria provided, single submitter. Criteria: Invitae Variant Classification Sherloc (09022015). Collection method: clinical testing. Allele origin: germline.
Comment: This sequence change replaces arginine, which is basic and polar, with proline, which is neutral and non-polar, at codon 389 of the GNAS protein (p.Arg389Pro). This variant is not present in population databases (gnomAD no frequency). This variant has not been reported in the literature in individuals affected with GNAS-related conditions. Invitae Evidence Modeling of protein sequence and biophysical properties (such as structural, functional, and spatial information, amino acid conservation, physicochemical variation, residue mobility, and thermodynamic stability) indicates that this missense variant is not expected to disrupt GNAS protein function with a negative predictive value of 80%. Experimental studies have shown that this missense change affects GNAS function (PMID: 7523385). Algorithms developed to predict the effect of sequence changes on RNA splicing suggest that this variant may create or strengthen a splice site. In summary, the available evidence is currently insufficient to determine the role of this variant in disease. Therefore, it has been classified as a Variant of Uncertain Significance.

Literature cited by the submitters: PubMed 7523385.

NM_000516.7(GNAS):c.1166G>C (p.Arg389Pro)

Gene: GNAS (GNAS complex locus; plus strand). Cytogenetic location: 20q13.32.
Variant type: single nucleotide variant.
Coding change: c.1166G>C on transcript NM_000516.7 (MANE Select); coding-DNA position 1166, G replaced by C.
Protein change: p.Arg389Pro; replaces arginine 389 with proline.
Molecular consequence: missense variant. On other transcripts: 3 prime UTR variant (2).
Genome position (GRCh38, 1-based): chr20:58,910,810, G>C. VCF-style: chr20-58910810-G-C. GRCh37 (hg19) VCF-style: chr20-57485865-G-C.
Other names: c.1169G>C, p.Arg390Pro (NM_001077488.5); c.1121G>C, p.Arg374Pro (NM_001077489.4); c.*1027G>C (NM_001077490.3); c.989G>C, p.Arg330Pro (NM_001309840.2, NM_001309861.2, NM_001438276.1 and 1 more transcripts); c.1070G>C, p.Arg357Pro (NM_001410912.1); c.3050G>C, p.Arg1017Pro (NM_001410913.1); c.944G>C, p.Arg315Pro (NM_001438273.1, NM_001438274.1, NM_001438275.1); c.*1072G>C (NM_016592.5); and 2 more; short protein forms R330P, R374P, R390P, R1032P, R315P, R375P, R389P, R1017P.
Identifiers: ClinVar variation 4745575 (VCV004745575.1).